The following is an entry in ClinVar:

NM_182548.4(LHFPL5):c.460T>A (p.Ser154Thr)

Gene: LHFPL5 (LHFPL tetraspan subfamily member 5; plus strand). Cytogenetic location: 6p21.31.
Variant type: single nucleotide variant.
Coding change: c.460T>A on transcript NM_182548.4 (MANE Select); coding-DNA position 460, T replaced by A.
Protein change: p.Ser154Thr; replaces serine 154 with threonine.
Molecular consequence: missense variant.
Genome position (GRCh38, 1-based): chr6:35,814,593, T>A. VCF-style: chr6-35814593-T-A. GRCh37 (hg19) VCF-style: chr6-35782370-T-A.
Other names: c.460T>A (NM_182548.3); short protein forms S154T.
Identifiers: ClinVar variation 1352050 (VCV001352050.5), dbSNP rs147861688, ClinGen allele CA3774420.

ClinVar aggregate classification (germline): Uncertain significance. Review status: criteria provided, multiple submitters, no conflicts (2 of 4 stars). 2 submissions from 2 submitters: Uncertain significance (2). Last evaluated 2024-06-22.

Conditions:
Inborn genetic diseases. Identifiers: MedGen C0950123, MeSH D030342.

Allele frequency attached by ClinVar (database versions not stated): gnomAD 0.00011 and 0.00012; ESP Exome Variant Server 0.00015; TOPMed 0.00033.
gnomAD v4.1: 34 of 1,614,024 alleles (0.0021%); highest among the groups gnomAD compares: Admixed American, 0.027%; no homozygotes.

Submissions (2):

Ambry Genetics
Classification: Uncertain significance for Inborn genetic diseases. Last evaluated: 2024-06-22. Review status: criteria provided, single submitter. Criteria: Ambry Variant Classification Scheme 2023. Collection method: clinical testing. Allele origin: germline.

Labcorp Genetics (formerly Invitae), Labcorp
Classification: Uncertain significance. Last evaluated: 2021-10-15. Review status: criteria provided, single submitter. Criteria: Invitae Variant Classification Sherloc (09022015). Collection method: clinical testing. Allele origin: germline.
Comment: This sequence change replaces serine with threonine at codon 154 of the LHFPL5 protein (p.Ser154Thr). The serine residue is highly conserved and there is a small physicochemical difference between serine and threonine. This variant is present in population databases (rs147861688, ExAC 0.01%). This variant has not been reported in the literature in individuals affected with LHFPL5-related conditions. Algorithms developed to predict the effect of missense changes on protein structure and function are either unavailable or do not agree on the potential impact of this missense change (SIFT: "Deleterious"; PolyPhen-2: "Possibly Damaging"; Align-GVGD: "Class C0"). In summary, the available evidence is currently insufficient to determine the role of this variant in disease. Therefore, it has been classified as a Variant of Uncertain Significance.